The following is an entry in ClinVar:

ClinVar aggregate classification (germline): Likely benign. Review status: criteria provided, multiple submitters, no conflicts (2 of 4 stars). 2 submissions from 2 submitters: Likely benign (2). Last evaluated 2025-08-21.

Conditions:
Hyperaldosteronism, familial, type IV (HALD4). Also called: FH IV; ALDOSTERONISM, PRIMARY, AND HYPERTENSION. Identifiers: Orphanet 642671, MedGen C4310756, MONDO:0014875, OMIM 617027.
Idiopathic generalized epilepsy. Also called: EIG; Generalised epilepsy. Identifiers: MedGen C0270850, MONDO:0005579, OMIM 600669.

Allele frequency attached by ClinVar (database versions not stated): gnomAD 0.00001; gnomAD exomes 0.00001 and 0.00002; ExAC 0.00002; TOPMed 0.00002.

Submissions (2):

Labcorp Genetics (formerly Invitae), Labcorp
Classification: Likely benign for Idiopathic generalized epilepsy; Hyperaldosteronism, familial, type IV. Last evaluated: 2025-08-21. Review status: criteria provided, single submitter. Criteria: Invitae Variant Classification Sherloc (09022015). Collection method: clinical testing. Allele origin: germline.

CeGaT Center for Human Genetics Tuebingen
Classification: Likely benign. Last evaluated: 2024-08-01. Review status: criteria provided, single submitter. Criteria: CeGaT Center For Human Genetics Tuebingen Variant Classification Criteria Version 2. Collection method: clinical testing. Allele origin: germline. Affected: yes. Observed: 1 variant allele.
Comment: CACNA1H: BP4, BP7

NM_021098.3(CACNA1H):c.738C>T (p.Ile246=)

Gene: CACNA1H (calcium voltage-gated channel subunit alpha1 H; plus strand). Cytogenetic location: 16p13.3.
Variant type: single nucleotide variant.
Coding change: c.738C>T on transcript NM_021098.3 (MANE Select); coding-DNA position 738, C replaced by T.
Protein change: p.Ile246=; no amino-acid change (isoleucine 246 retained).
Molecular consequence: synonymous variant.
Genome position (GRCh38, 1-based): chr16:1,198,709, C>T. VCF-style: chr16-1198709-C-T. GRCh37 (hg19) VCF-style: chr16-1248709-C-T.
Other names: c.738C>T, p.Ile246= (NM_001005407.2).
Identifiers: ClinVar variation 759112 (VCV000759112.26), dbSNP rs762427859, ClinGen allele CA7799601.